The following is an entry in ClinVar:

ClinVar aggregate classification (germline): Uncertain significance. Review status: criteria provided, multiple submitters, no conflicts (2 of 4 stars). 4 submissions from 4 submitters: Uncertain significance (4). Last evaluated 2026-04-06.

Conditions:
Cardiovascular phenotype. Identifiers: MedGen CN230736.

Allele frequency attached by ClinVar (database versions not stated): gnomAD exomes 0.00001 and 0.00004; ExAC 0.00006.
gnomAD v4.1: 28 of 1,548,860 alleles (0.0018%); highest among the groups gnomAD compares: South Asian, 0.011%; no homozygotes.

Submissions (4):

Women's Health and Genetics/Laboratory Corporation of America, LabCorp
Classification: Uncertain significance. Last evaluated: 2026-04-06. Review status: criteria provided, single submitter. Criteria: LabCorp Variant Classification Summary - May 2015. Collection method: clinical testing. Allele origin: germline.
Comment: Variant summary: ZNF469 c.10832C>T (p.Ala3611Val) results in a non-conservative amino acid change in the encoded protein sequence. Algorithms developed to predict the effect of missense changes on protein structure and function are either unavailable or do not agree on the potential impact of this missense change. The variant allele was found at a frequency of 4e-05 in 151188 control chromosomes. The available data on variant occurrences in the general population are insufficient to allow any conclusion about variant significance. To our knowledge, no occurrence of c.10832C>T in individuals affected with ZNF469-related conditions and no experimental evidence demonstrating its impact on protein function have been reported. ClinVar contains an entry for this variant (Variation ID: 1197736). Based on the evidence outlined above, the variant was classified as uncertain significance.

Ambry Genetics
Classification: Uncertain significance for Cardiovascular phenotype. Last evaluated: 2025-02-13. Review status: criteria provided, single submitter. Criteria: Ambry Variant Classification Scheme 2023. Collection method: clinical testing. Allele origin: germline.
Comment: The p.A3583V variant (also known as c.10748C>T), located in coding exon 2 of the ZNF469 gene, results from a C to T substitution at nucleotide position 10748. The alanine at codon 3583 is replaced by valine, an amino acid with similar properties. This amino acid position is conserved. In addition, this alteration is predicted to be tolerated by in silico analysis. Based on the available evidence, the clinical significance of this variant remains unclear.

Labcorp Genetics (formerly Invitae), Labcorp
Classification: Uncertain significance. Last evaluated: 2022-07-12. Review status: criteria provided, single submitter. Criteria: Invitae Variant Classification Sherloc (09022015). Collection method: clinical testing. Allele origin: germline.
Comment: This sequence change replaces alanine, which is neutral and non-polar, with valine, which is neutral and non-polar, at codon 3583 of the ZNF469 protein (p.Ala3583Val). This variant is present in population databases (rs778889305, gnomAD 0.01%). This variant has not been reported in the literature in individuals affected with ZNF469-related conditions. ClinVar contains an entry for this variant (Variation ID: 1197736). Algorithms developed to predict the effect of missense changes on protein structure and function output the following: SIFT: "Tolerated"; PolyPhen-2: "Benign"; Align-GVGD: "Class C0". The valine amino acid residue is found in multiple mammalian species, which suggests that this missense change does not adversely affect protein function. In summary, the available evidence is currently insufficient to determine the role of this variant in disease. Therefore, it has been classified as a Variant of Uncertain Significance.

GeneDx
Classification: Uncertain significance. Last evaluated: 2020-01-30. Review status: criteria provided, single submitter. Criteria: GeneDx Variant Classification Process June 2021. Collection method: clinical testing. Allele origin: germline. Affected: yes.
Comment: Not observed at a significant frequency in large population cohorts (Lek et al., 2016); In silico analysis, which includes protein predictors and evolutionary conservation, supports that this variant does not alter protein structure/function; Has not been previously published as pathogenic or benign to our knowledge

NM_001367624.2(ZNF469):c.10832C>T (p.Ala3611Val)

Gene: ZNF469 (zinc finger protein 469; plus strand). Cytogenetic location: 16q24.2.
Variant type: single nucleotide variant.
Coding change: c.10832C>T on transcript NM_001367624.2 (MANE Select); coding-DNA position 10832, C replaced by T.
Protein change: p.Ala3611Val; replaces alanine 3611 with valine.
Molecular consequence: missense variant.
Genome position (GRCh38, 1-based): chr16:88,438,302, C>T. VCF-style: chr16-88438302-C-T. GRCh37 (hg19) VCF-style: chr16-88504710-C-T.
Other names: NM_001127464.1:c.10748C>T; short protein forms A3611V.
Identifiers: ClinVar variation 1197736 (VCV001197736.7), dbSNP rs778889305, ClinGen allele CA8225554.